The following is an entry in ClinVar:

NM_017636.4(TRPM4):c.3329-2A>G

Gene: TRPM4 (transient receptor potential cation channel subfamily M member 4; plus strand). Cytogenetic location: 19q13.33.
Variant type: single nucleotide variant.
Coding change: c.3329-2A>G on transcript NM_017636.4 (MANE Select); the canonical splice acceptor site of the intron before coding-DNA position 3329, A replaced by G.
Molecular consequence: splice acceptor variant.
Genome position (GRCh38, 1-based): chr19:49,210,708, A>G. VCF-style: chr19-49210708-A-G. GRCh37 (hg19) VCF-style: chr19-49713965-A-G.
Other names: c.2894-2A>G (NM_001195227.2); c.1721-2A>G (NM_001321282.2); c.2984-2A>G (NM_001321281.2); c.2807-2A>G (NM_001321283.2); c.2267-2A>G (NM_001321285.2).
Identifiers: ClinVar variation 936416 (VCV000936416.42), dbSNP rs751095080, ClinGen allele CA9569874.

ClinVar aggregate classification (germline): Uncertain significance. Review status: criteria provided, multiple submitters, no conflicts (2 of 4 stars). 2 submissions from 2 submitters: Uncertain significance (2). Last evaluated 2021-12-01.

Conditions:
Progressive familial heart block type IB (PFHB1B). Identifiers: Orphanet 871, MedGen C1970298, MONDO:0011474, OMIM 604559.

Allele frequency attached by ClinVar (database versions not stated): gnomAD exomes below 0.00001; TOPMed below 0.00001; ExAC 0.00001.
gnomAD v4.1: 2 of 1,614,104 alleles (0.00012%); highest among the groups gnomAD compares: Non-Finnish European, 0.00017%; no homozygotes.

Submissions (2):

CeGaT Center for Human Genetics Tuebingen
Classification: Uncertain significance. Last evaluated: 2021-12-01. Review status: criteria provided, single submitter. Criteria: CeGaT Center For Human Genetics Tuebingen Variant Classification Criteria Version 2. Collection method: clinical testing. Allele origin: germline. Affected: yes. Observed: 1 variant allele.

Labcorp Genetics (formerly Invitae), Labcorp
Classification: Uncertain significance for Progressive familial heart block type IB. Last evaluated: 2019-07-12. Review status: criteria provided, single submitter. Criteria: Invitae Variant Classification Sherloc (09022015). Collection method: clinical testing. Allele origin: germline.
Comment: This variant is present in population databases (rs751095080, ExAC 0.002%). This variant has not been reported in the literature in individuals with TRPM4-related conditions. Algorithms developed to predict the effect of sequence changes on RNA splicing suggest that this variant may disrupt the consensus splice site, but this prediction has not been confirmed by published transcriptional studies. The current clinical and genetic evidence is not sufficient to establish whether loss-of-function variants in TRPM4 cause disease. In summary, the available evidence is currently insufficient to determine the role of this variant in disease. Therefore, it has been classified as a Variant of Uncertain Significance. This sequence change affects an acceptor splice site in intron 21 of the TRPM4 gene. It is expected to disrupt RNA splicing and likely results in an absent or disrupted protein product.